The following is an entry in ClinVar:

ClinVar aggregate classification (germline): Uncertain significance. Review status: criteria provided, multiple submitters, no conflicts (2 of 4 stars). 5 submissions from 5 submitters: Uncertain significance (5). Last evaluated 2025-07-19.

Conditions:
Familial thoracic aortic aneurysm and aortic dissection (TAAD). Also called: Thoracic aortic aneurysms and dissections. Identifiers: Orphanet 91387, MedGen C4707243, MONDO:0019625.
Marfan syndrome (MFS). Also called: Marfan syndrome, classic; Marfan syndrome type 1; Marfan's syndrome; FBN1-Related Marfan Syndrome; MARFAN SYNDROME, TYPE I. Identifiers: Orphanet 284963, Orphanet 558, MedGen C0024796, MONDO:0007947, OMIM 154700.

Allele frequency attached by ClinVar (database versions not stated): TOPMed below 0.00001; gnomAD exomes 0.00001; gnomAD 0.00001.
gnomAD v4.1: 13 of 1,612,672 alleles (0.00081%); highest among the groups gnomAD compares: South Asian, 0.0044%; no homozygotes.

Submissions (5):

Labcorp Genetics (formerly Invitae), Labcorp
Classification: Uncertain significance for Marfan syndrome; Familial thoracic aortic aneurysm and aortic dissection. Last evaluated: 2025-07-19. Review status: criteria provided, single submitter. Criteria: Invitae Variant Classification Sherloc (09022015). Collection method: clinical testing. Allele origin: germline.
Comment: This sequence change replaces valine, which is neutral and non-polar, with isoleucine, which is neutral and non-polar, at codon 1765 of the FBN1 protein (p.Val1765Ile). This variant is not present in population databases (gnomAD no frequency). This missense change has been observed in individual(s) with autosomal dominant FBN1-related conditions (internal data). ClinVar contains an entry for this variant (Variation ID: 924671). Invitae Evidence Modeling of protein sequence and biophysical properties (such as structural, functional, and spatial information, amino acid conservation, physicochemical variation, residue mobility, and thermodynamic stability) indicates that this missense variant is not expected to disrupt FBN1 protein function with a negative predictive value of 95%. In summary, the available evidence is currently insufficient to determine the role of this variant in disease. Therefore, it has been classified as a Variant of Uncertain Significance.

Ambry Genetics
Classification: Uncertain significance for Familial thoracic aortic aneurysm and aortic dissection. Last evaluated: 2025-01-09. Review status: criteria provided, single submitter. Criteria: Ambry Variant Classification Scheme 2023. Collection method: clinical testing. Allele origin: germline.
Comment: The p.V1765I variant (also known as c.5293G>A), located in coding exon 42 of the FBN1 gene, results from a G to A substitution at nucleotide position 5293. The valine at codon 1765 is replaced by isoleucine, an amino acid with highly similar properties. This amino acid position is well conserved in available vertebrate species. In addition, this alteration is predicted to be tolerated by in silico analysis. Based on the available evidence, the clinical significance of this variant remains unclear.

Color Diagnostics, LLC DBA Color Health
Classification: Uncertain significance for Familial thoracic aortic aneurysm and aortic dissection. Last evaluated: 2024-03-06. Review status: criteria provided, single submitter. Criteria: ACMG Guidelines, 2015. Collection method: clinical testing. Allele origin: germline.
Comment: This missense variant replaces valine with isoleucine at codon 1765 of the FBN1 protein. Computational prediction suggests that this variant may not impact protein structure and function (internally defined REVEL score threshold <= 0.5, PMID: 27666373). To our knowledge, functional studies have not been reported for this variant. This variant has not been reported in individuals affected with FBN1-related disorders in the literature. This variant has not been identified in the general population by the Genome Aggregation Database (gnomAD). The available evidence is insufficient to determine the role of this variant in disease conclusively. Therefore, this variant is classified as a Variant of Uncertain Significance.

All of Us Research Program, National Institutes of Health
Classification: Uncertain significance for Marfan syndrome. Last evaluated: 2023-10-06. Review status: criteria provided, single submitter. Criteria: ACMG Guidelines, 2015. Collection method: clinical testing. Allele origin: germline. Inheritance: Autosomal dominant inheritance. Observed: 2 variant alleles, 2 heterozygotes.
Comment: This missense variant replaces valine with isoleucine at codon 1765 of the FBN1 protein. Computational prediction suggests that this variant may not impact protein structure and function (internally defined REVEL score threshold <= 0.5, PMID: 27666373). To our knowledge, functional studies have not been reported for this variant. This variant has not been reported in individuals affected with cardiovascular disorders in the literature. This variant has not been identified in the general population by the Genome Aggregation Database (gnomAD). The available evidence is insufficient to determine the role of this variant in disease conclusively. Therefore, this variant is classified as a Variant of Uncertain Significance.

This study involves interpretation of variants in research participants for the purpose of population health screening. Participant phenotype was not available at the time of variant classification. Additional details can be found in publication PMID: 35346344, PMCID: PMC8962531

GeneDx
Classification: Uncertain significance. Last evaluated: 2023-04-07. Review status: criteria provided, single submitter. Criteria: GeneDx Variant Classification Process June 2021. Collection method: clinical testing. Allele origin: germline. Affected: yes.
Comment: Not observed at significant frequency in large population cohorts (gnomAD); In silico analysis supports that this missense variant does not alter protein structure/function; Has not been previously published as pathogenic or benign to our knowledge; Does not affect a cysteine residue within a calcium-binding EGF-like domain or a TGF-binding protein domain of the FBN1 gene; cysteine substitutions in the calcium-binding EGF-like domains represent the majority of pathogenic missense changes associated with FBN1-related disorders (Collod-Beroud et al., 2003); This variant is associated with the following publications: (PMID: 12938087)

NM_000138.5(FBN1):c.5293G>A (p.Val1765Ile)

Gene: FBN1 (fibrillin 1; minus strand). Cytogenetic location: 15q21.1.
Variant type: single nucleotide variant.
Coding change: c.5293G>A on transcript NM_000138.5 (MANE Select); coding-DNA position 5293, G replaced by A.
Protein change: p.Val1765Ile; replaces valine 1765 with isoleucine.
Molecular consequence: missense variant.
Genome position (GRCh38, 1-based): chr15:48,460,249, C>T on the plus strand (G>A on the coding strand, the complement: FBN1 is on the minus strand). VCF-style: chr15-48460249-C-T. GRCh37 (hg19) VCF-style: chr15-48752446-C-T.
Other names: short protein forms V1765I.
Identifiers: ClinVar variation 924671 (VCV000924671.13), dbSNP rs2043270857, ClinGen allele CA392347957.